The following is an entry in ClinVar:

ClinVar aggregate classification (germline): Uncertain significance. Review status: criteria provided, multiple submitters, no conflicts (2 of 4 stars). 2 submissions from 2 submitters: Uncertain significance (2). Last evaluated 2026-01-05.

Conditions:
Developmental and epileptic encephalopathy 91. Also called: EPILEPTIC ENCEPHALOPATHY, INFANTILE OR EARLY CHILDHOOD, 1. Identifiers: MedGen C4540199, MONDO:0020630, OMIM 617711.
Arthrogryposis, cleft palate, craniosynostosis, and impaired intellectual development. Identifiers: Orphanet 565858, MedGen C4748872, MONDO:0032642, OMIM 618265.

Allele frequency attached by ClinVar (database versions not stated): ESP Exome Variant Server 0.00015.

Submissions (2):

Labcorp Genetics (formerly Invitae), Labcorp
Classification: Uncertain significance. Last evaluated: 2026-01-05. Review status: criteria provided, single submitter. Criteria: Invitae Variant Classification Sherloc (09022015). Collection method: clinical testing. Allele origin: germline.
Comment: This sequence change replaces arginine, which is basic and polar, with glutamine, which is neutral and polar, at codon 73 of the PPP3CA protein (p.Arg73Gln). This variant is present in population databases (rs141696639, gnomAD 0.01%). This missense change has been observed in individual(s) with clinical features of PPP3CA-related conditions (internal data). ClinVar contains an entry for this variant (Variation ID: 1361019). Invitae Evidence Modeling of protein sequence and biophysical properties (such as structural, functional, and spatial information, amino acid conservation, physicochemical variation, residue mobility, and thermodynamic stability) indicates that this missense variant is not expected to disrupt PPP3CA protein function with a negative predictive value of 80%. In summary, the available evidence is currently insufficient to determine the role of this variant in disease. Therefore, it has been classified as a Variant of Uncertain Significance.

Fulgent Genetics
Classification: Uncertain significance for Developmental and epileptic encephalopathy 91; Arthrogryposis, cleft palate, craniosynostosis, and impaired intellectual development. Last evaluated: 2024-06-01. Review status: criteria provided, single submitter. Criteria: ACMG Guidelines, 2015. Collection method: clinical testing. Allele origin: germline.

NM_000944.5(PPP3CA):c.218G>A (p.Arg73Gln)

Gene: PPP3CA (protein phosphatase 3 catalytic subunit alpha; minus strand). Cytogenetic location: 4q24.
Variant type: single nucleotide variant.
Coding change: c.218G>A on transcript NM_000944.5 (MANE Select); coding-DNA position 218, G replaced by A.
Protein change: p.Arg73Gln; replaces arginine 73 with glutamine.
Molecular consequence: missense variant.
Genome position (GRCh38, 1-based): chr4:101,195,957, C>T on the plus strand (G>A on the coding strand, the complement: PPP3CA is on the minus strand). VCF-style: chr4-101195957-C-T. GRCh37 (hg19) VCF-style: chr4-102117114-C-T.
Other names: c.218G>A, p.Arg73Gln (NM_001130691.2, NM_001130692.2); short protein forms R73Q.
Identifiers: ClinVar variation 1361019 (VCV001361019.9), dbSNP rs141696639, ClinGen allele CA3024544.